The following is an entry in ClinVar:

ClinVar aggregate classification (germline): Likely pathogenic (0 of 4 stars; one submission).

Conditions:
Hennekam lymphangiectasia-lymphedema syndrome 2 (HKLLS2). Identifiers: Orphanet 2136, MedGen C4014939, MONDO:0014454, OMIM 616006.

Submission:

Kasturba Medical College, Manipal, Kasturba Medical College, Manipal, Manipal Academy of Higher Education, Manipal, India
Classification: Likely pathogenic for Hennekam lymphangiectasia-lymphedema syndrome 2. Last evaluated: 2024-12-26. Review status: no assertion criteria provided. Collection method: research. Allele origin: germline. Inheritance: Autosomal recessive inheritance. Affected: yes.
Comment: This variant is absent in heterozygous and homozygous state in gnomAD (v3.1.2 and v4.1.0) population database. In silico analysis tools (SpliceAI, Human Splicing Finder) were consistent in predicting the variant to cause aberrant splicing. Splice-site analysis performed in mRNA extracted from cultured fibroblasts of the proband showed aberrant splicing leading to formation of multiple transcripts. Of these, one of the transcripts showed retention of 2bp of intron 14, r.(12479_12480insGT) p.(Cys4161Tyrfs*52), thereby leading to shift in the reading frame.

NM_001291303.3(FAT4):c.12479+3A>G

Gene: FAT4 (FAT atypical cadherin 4; plus strand). Cytogenetic location: 4q28.1.
Variant type: single nucleotide variant.
Coding change: c.12479+3A>G on transcript NM_001291303.3 (MANE Select); 3 bases into the intron after coding-DNA position 12479, A replaced by G.
Molecular consequence: intron variant.
Genome position (GRCh38, 1-based): chr4:125,477,337, A>G. VCF-style: chr4-125477337-A-G. GRCh37 (hg19) VCF-style: chr4-126398492-A-G.
Other names: c.12479+3A>G (NM_001291285.3); c.12473+3A>G (NM_024582.6).
Identifiers: ClinVar variation 1700623 (VCV001700623.3), dbSNP rs2126083898, ClinGen allele CA358131257.